The following is an entry in ClinVar:

ClinVar aggregate classification (germline): Benign (1 of 4 stars; one submission).

Allele frequency attached by ClinVar (database versions not stated): 1000 Genomes Project 30x 0.21205; 1000 Genomes Project 0.21885; gnomAD 0.29229 and 0.29597; TOPMed 0.29976; gnomAD exomes 0.37090.
gnomAD v4.1: 62,761 of 200,518 alleles (31%); highest among the groups gnomAD compares: Admixed American, 39%; 11,398 homozygotes.

Submission:

GeneDx
Classification: Benign. Last evaluated: 2018-06-18. Review status: criteria provided, single submitter. Criteria: GeneDx Variant Classification (06012015). Collection method: clinical testing. Allele origin: germline. Affected: yes.
Comment: This variant is considered likely benign or benign based on one or more of the following criteria: it is a conservative change, it occurs at a poorly conserved position in the protein, it is predicted to be benign by multiple in silico algorithms, and/or has population frequency not consistent with disease.

NM_001042432.2(CLN3):c.294+253T>A

Gene: CLN3 (CLN3 lysosomal/endosomal transmembrane protein, battenin; minus strand). Cytogenetic location: 16p12.1.
Variant type: single nucleotide variant.
Coding change: c.294+253T>A on transcript NM_001042432.2 (MANE Select); 253 bases into the intron after coding-DNA position 294, T replaced by A.
Molecular consequence: intron variant.
Genome position (GRCh38, 1-based): chr16:28,488,338, A>T on the plus strand (T>A on the coding strand, the complement: CLN3 is on the minus strand). VCF-style: chr16-28488338-A-T. GRCh37 (hg19) VCF-style: chr16-28499659-A-T.
Other names: c.61-597T>A (NM_001286109.2); c.223-597T>A (NM_001286104.2); c.74+253T>A (NM_001286105.2); c.132+253T>A (NM_001286110.2); c.294+253T>A (NM_000086.2).
Identifiers: ClinVar variation 668786 (VCV000668786.1), dbSNP rs149301, ClinGen allele CA16521855.